The following is an entry in ClinVar:

ClinVar aggregate classification (germline): Pathogenic (1 of 4 stars; one submission).

Conditions:
ALG9 congenital disorder of glycosylation (CDG1L). Also called: CDG Il; ALG9-CDG; CONGENITAL DISORDER OF GLYCOSYLATION, TYPE Il. Identifiers: Orphanet 79328, MedGen C2931006, MONDO:0012117, OMIM 608776.

Submission:

Labcorp Genetics (formerly Invitae), Labcorp
Classification: Pathogenic for ALG9 congenital disorder of glycosylation. Last evaluated: 2026-01-05. Review status: criteria provided, single submitter. Criteria: Invitae Variant Classification Sherloc (09022015). Collection method: clinical testing. Allele origin: germline.
Comment: This sequence change creates a premature translational stop signal (p.Trp771*) in the ATP6V0A2 gene. It is expected to result in an absent or disrupted protein product. Loss-of-function variants in ATP6V0A2 are known to be pathogenic (PMID: 18157129, 19321599). This variant is not present in population databases (gnomAD no frequency). This variant has not been reported in the literature in individuals affected with ATP6V0A2-related conditions. For these reasons, this variant has been classified as Pathogenic.

Literature cited by the submitters: PubMed 18157129; PubMed 19321599.

NM_012463.4(ATP6V0A2):c.2313G>A (p.Trp771Ter)

Gene: ATP6V0A2 (ATPase H+ transporting V0 subunit a2; plus strand). Cytogenetic location: 12q24.31.
Variant type: single nucleotide variant.
Coding change: c.2313G>A on transcript NM_012463.4 (MANE Select); coding-DNA position 2313, G replaced by A.
Protein change: p.Trp771Ter; replaces tryptophan 771 with a stop codon.
Molecular consequence: nonsense.
Genome position (GRCh38, 1-based): chr12:123,756,834, G>A. VCF-style: chr12-123756834-G-A. GRCh37 (hg19) VCF-style: chr12-124241381-G-A.
Other names: short protein forms W771*.
Identifiers: ClinVar variation 4770543 (VCV004770543.1).
Genomic context (GRCh38, chr12:123,756,834, plus strand): 5'-CATAAGCGAGCATGACCTGTGCAGGCTGCACTCCTTTGCAGAGTTGTCTGATGTCCTGTG[G>A]GCCATGCTGATGCGCGTGGGCCTCCGCGTTGACACCACCTATGGCGTCTTGCTACTGCTC-3'